The following is an entry in ClinVar:

ClinVar aggregate classification (germline): Likely benign. Review status: criteria provided, multiple submitters, no conflicts (2 of 4 stars). 2 submissions from 2 submitters: Likely benign (2). Last evaluated 2026-01-13.

Conditions:
Adenylosuccinate lyase deficiency (ADSLD). Also called: ADSL DEFICIENCY. Identifiers: Orphanet 46, MedGen C0268126, MONDO:0007068, OMIM 103050.

Allele frequency attached by ClinVar (database versions not stated): TOPMed below 0.00001; gnomAD 0.00001.
gnomAD v4.1: 4 of 1,609,444 alleles (0.00025%); highest among the groups gnomAD compares: Admixed American, 0.0067%; no homozygotes.

Submissions (2):

Labcorp Genetics (formerly Invitae), Labcorp
Classification: Likely benign for Adenylosuccinate lyase deficiency. Last evaluated: 2026-01-13. Review status: criteria provided, single submitter. Criteria: Invitae Variant Classification Sherloc (09022015). Collection method: clinical testing. Allele origin: germline.

GeneDx
Classification: Likely benign. Last evaluated: 2017-09-14. Review status: criteria provided, single submitter. Criteria: GeneDx Variant Classification (06012015). Collection method: clinical testing. Allele origin: germline. Affected: yes.
Comment: This variant is considered likely benign or benign based on one or more of the following criteria: it is a conservative change, it occurs at a poorly conserved position in the protein, it is predicted to be benign by multiple in silico algorithms, and/or has population frequency not consistent with disease.

NM_000026.4(ADSL):c.792+8G>T

Gene: ADSL (adenylosuccinate lyase; plus strand). Cytogenetic location: 22q13.1.
Variant type: single nucleotide variant.
Coding change: c.792+8G>T on transcript NM_000026.4 (MANE Select); 8 bases into the intron after coding-DNA position 792, G replaced by T.
Molecular consequence: intron variant.
Genome position (GRCh38, 1-based): chr22:40,360,500, G>T. VCF-style: chr22-40360500-G-T. GRCh37 (hg19) VCF-style: chr22-40756504-G-T.
Other names: c.792+8G>T (NM_001363840.3, NM_001123378.3); c.600+8G>T (NM_001317923.2).
Identifiers: ClinVar variation 512055 (VCV000512055.3), dbSNP rs777198113, ClinGen allele CA10247812.